The following is an entry in ClinVar:

ClinVar aggregate classification (germline): Likely benign. Review status: criteria provided, multiple submitters, no conflicts (2 of 4 stars). 3 submissions from 3 submitters: Likely benign (3). Last evaluated 2025-11-10.

Conditions:
Hereditary breast ovarian cancer syndrome. Also called: Hereditary breast and ovarian cancer syndrome; Hereditary breast and ovarian cancer; Hereditary breast and ovarian cancer syndrome (HBOC); Breast and ovarian cancer; Hereditary breast and/or ovarian cancer syndrome; BRCA1- and BRCA2-Associated Hereditary Breast and Ovarian Cancer. Identifiers: Orphanet 145, MedGen C0677776, MeSH D061325, MONDO:0003582. Disease mechanism: loss of function.
Hereditary cancer-predisposing syndrome. Also called: Neoplastic Syndromes, Hereditary; Tumor predisposition; Hereditary neoplastic syndrome; Hereditary Cancer Syndrome. Identifiers: Orphanet 140162, MedGen C0027672, MeSH D009386, MONDO:0015356.

Submissions (3):

Labcorp Genetics (formerly Invitae), Labcorp
Classification: Likely benign for Hereditary breast ovarian cancer syndrome. Last evaluated: 2025-11-10. Review status: criteria provided, single submitter. Criteria: Invitae Variant Classification Sherloc (09022015). Collection method: clinical testing. Allele origin: germline.

Women's Health and Genetics/Laboratory Corporation of America, LabCorp
Classification: Likely benign. Last evaluated: 2025-05-09. Review status: criteria provided, single submitter. Criteria: LabCorp Variant Classification Summary - May 2015. Collection method: clinical testing. Allele origin: germline.
Comment: Variant summary: BRCA2 c.8487+15T>C alters a nucleotide located at a position not widely known to affect splicing. Consensus agreement among computation tools predict no significant impact on normal splicing. However, these predictions have yet to be confirmed by functional studies. The variant was absent in 250810 control chromosomes. The available data on variant occurrences in the general population are insufficient to allow any conclusion about variant significance. c.8487+15T>C has been observed in individual(s) affected with breast or ovarian cancer without strong evidence for causality (Torres_2017). These report(s) do not provide unequivocal conclusions about association of the variant with Hereditary Breast And Ovarian Cancer Syndrome. To our knowledge, no experimental evidence demonstrating an impact on protein function has been reported. The following publication has been ascertained in the context of this evaluation (PMID: 28680148). ClinVar contains an entry for this variant (Variation ID: 630015). Based on the evidence outlined above, the variant was classified as likely benign.

Color Diagnostics, LLC DBA Color Health
Classification: Likely benign for Hereditary cancer-predisposing syndrome. Last evaluated: 2018-04-23. Review status: criteria provided, single submitter. Criteria: ACMG Guidelines, 2015. Collection method: clinical testing. Allele origin: germline.

Literature cited by the submitters: PubMed 28680148 (cited by Women's Health and Genetics/Laboratory Corporation of America, LabCorp).

NM_000059.4(BRCA2):c.8487+15T>C

Gene: BRCA2 (BRCA2 DNA repair associated; plus strand). Cytogenetic location: 13q13.1.
Variant type: single nucleotide variant.
Coding change: c.8487+15T>C on transcript NM_000059.4 (MANE Select); 15 bases into the intron after coding-DNA position 8487, T replaced by C.
Molecular consequence: intron variant.
Genome position (GRCh38, 1-based): chr13:32,370,572, T>C. VCF-style: chr13-32370572-T-C. GRCh37 (hg19) VCF-style: chr13-32944709-T-C.
Identifiers: ClinVar variation 630015 (VCV000630015.12), dbSNP rs1566249011, ClinGen allele CA913188606.